The following is an entry in ClinVar:

ClinVar aggregate classification (germline): Uncertain significance (1 of 4 stars; one submission).

Submission:

Labcorp Genetics (formerly Invitae), Labcorp
Classification: Uncertain significance. Last evaluated: 2022-04-09. Review status: criteria provided, single submitter. Criteria: Invitae Variant Classification Sherloc (09022015). Collection method: clinical testing. Allele origin: germline.
Comment: In summary, the available evidence is currently insufficient to determine the role of this variant in disease. Therefore, it has been classified as a Variant of Uncertain Significance. Algorithms developed to predict the effect of missense changes on protein structure and function are either unavailable or do not agree on the potential impact of this missense change (SIFT: "Tolerated"; PolyPhen-2: "Possibly Damaging"; Align-GVGD: "Class C0"). This variant has not been reported in the literature in individuals affected with IL12RB2-related conditions. This variant is not present in population databases (gnomAD no frequency). This sequence change replaces glutamic acid, which is acidic and polar, with glycine, which is neutral and non-polar, at codon 320 of the IL12RB2 protein (p.Glu320Gly).

NM_001374259.2(IL12RB2):c.959A>G (p.Glu320Gly)

Gene: IL12RB2 (interleukin 12 receptor subunit beta 2; plus strand). Cytogenetic location: 1p31.3.
Variant type: single nucleotide variant.
Coding change: c.959A>G on transcript NM_001374259.2 (MANE Select); coding-DNA position 959, A replaced by G.
Protein change: p.Glu320Gly; replaces glutamic acid 320 with glycine.
Molecular consequence: missense variant. On other transcripts: non-coding transcript variant (2).
Genome position (GRCh38, 1-based): chr1:67,338,624, A>G. VCF-style: chr1-67338624-A-G. GRCh37 (hg19) VCF-style: chr1-67804307-A-G.
Other names: c.959A>G, p.Glu320Gly (NM_001258214.1, NM_001258215.1, NM_001258216.1 and 2 more transcripts); short protein forms E320G.
Identifiers: ClinVar variation 2123665 (VCV002123665.4), dbSNP rs2526059067, ClinGen allele CA340734636.